The following is an entry in ClinVar:

NM_000334.4(SCN4A):c.4343G>T (p.Arg1448Leu)

Genes: GH-LCR (growth hormone locus control region; plus strand), SCN4A (sodium voltage-gated channel alpha subunit 4; minus strand). Cytogenetic location: 17q23.3.
Variant type: single nucleotide variant.
Coding change: c.4343G>T on transcript NM_000334.4 (MANE Select); coding-DNA position 4343, G replaced by T.
Protein change: p.Arg1448Leu; replaces arginine 1448 with leucine.
Molecular consequence: missense variant.
Genome position (GRCh38, 1-based): chr17:63,941,939, C>A on the plus strand (G>T on the coding strand, the complement: SCN4A is on the minus strand). VCF-style: chr17-63941939-C-A. GRCh37 (hg19) VCF-style: chr17-62019299-C-A.
Other names: short protein forms R1448L.
Identifiers: ClinVar variation 586518 (VCV000586518.11), dbSNP rs121908545, ClinGen allele CA400616189.
Genomic context (GRCh38, chr17:63,941,939, plus strand): 5'-ATGCCCTTGGCCCCGCGGATCAGCCGCAGGACACGCCCAATCCGCGCCAGGCGGATCACA[C>A]GGAACAGCGTGGGTGACACGAAGTACTTCTGGATCAGGTCAGAGAGGGCAAGGCCTGCGG-3'
Protein context (NP_000325.4, residues 1438-1458): QKYFVSPTLF[Arg1448Leu]VIRLARIGRV

ClinVar aggregate classification (germline): Conflicting classifications of pathogenicity. Review status: criteria provided, conflicting classifications (1 of 4 stars). 4 submissions from 4 submitters: Pathogenic (2); Likely pathogenic (1); Uncertain significance (1). Last evaluated 2026-04-30.

Conditions:
Hyperkalemic periodic paralysis. Also called: Familial hyperkalemic periodic paralysis; Gamstorp disease. Identifiers: Orphanet 682, MedGen C0238357, MONDO:0008224, OMIM 170500, HP:0007215.
Inborn genetic diseases. Identifiers: MedGen C0950123, MeSH D030342.

Submissions (4):

Ambry Genetics
Classification: Pathogenic for Inborn genetic diseases. Last evaluated: 2026-04-30. Review status: criteria provided, single submitter. Criteria: Ambry Variant Classification Scheme 2023. Collection method: clinical testing. Allele origin: germline.
Comment: The c.4343G>T (p.R1448L) alteration is located in exon 24 (coding exon 24) of the SCN4A gene. This alteration results from a G to T substitution at nucleotide position 4343, causing the arginine (R) at amino acid position 1448 to be replaced by a leucine (L). This variant was not reported in population-based cohorts in the Genome Aggregation Database (gnomAD). This variant was reported in individual(s) with features consistent with SCN4A-related myotonia and/or periodic paralysis (Matthews, 2008). Additionally, other variants at the same codon, c.4343G>A, (p.R1448H), c.4342C>T (p.R1448C) have been identified in individual(s) with features consistent with SCN4A-related myotonia and/or periodic paralysis (Matthews, 2008; Nurputra, 2012). This amino acid position is highly conserved in available vertebrate species. This alteration is predicted to be deleterious by in silico analysis. Based on the available evidence, this alteration is classified as pathogenic.

Labcorp Genetics (formerly Invitae), Labcorp
Classification: Pathogenic for Hyperkalemic periodic paralysis. Last evaluated: 2025-08-21. Review status: criteria provided, single submitter. Criteria: Invitae Variant Classification Sherloc (09022015). Collection method: clinical testing. Allele origin: germline.
Comment: This sequence change replaces arginine, which is basic and polar, with leucine, which is neutral and non-polar, at codon 1448 of the SCN4A protein (p.Arg1448Leu). This variant is not present in population databases (gnomAD no frequency). This missense change has been observed in individuals with clinical features of paramyotonia congenita (PMID: 18166706; internal data). ClinVar contains an entry for this variant (Variation ID: 586518). Invitae Evidence Modeling of protein sequence and biophysical properties (such as structural, functional, and spatial information, amino acid conservation, physicochemical variation, residue mobility, and thermodynamic stability) indicates that this missense variant is expected to disrupt SCN4A protein function with a positive predictive value of 95%. This variant disrupts the p.Arg1448 amino acid residue in SCN4A. Other variant(s) that disrupt this residue have been determined to be pathogenic (PMID: 1316765, 7809121, 8005599, 16801039). This suggests that this residue is clinically significant, and that variants that disrupt this residue are likely to be disease-causing. For these reasons, this variant has been classified as Pathogenic.

Revvity Omics, Revvity
Classification: Likely pathogenic. Last evaluated: 2019-09-06. Review status: criteria provided, single submitter. Criteria: ACMG Guidelines, 2015. Collection method: clinical testing. Allele origin: germline.

Athena Diagnostics
Classification: Uncertain significance. Last evaluated: 2017-10-31. Review status: criteria provided, single submitter. Criteria: Athena Diagnostics Criteria. Collection method: clinical testing. Allele origin: germline.

Literature cited by the submitters: PubMed 18166706 (cited by 3 submitters); PubMed 22507243 (cited by Ambry Genetics and Athena Diagnostics); PubMed 1316765 (cited by Labcorp Genetics (formerly Invitae), Labcorp); PubMed 7809121 (cited by Labcorp Genetics (formerly Invitae), Labcorp); PubMed 8005599 (cited by Labcorp Genetics (formerly Invitae), Labcorp); PubMed 16801039 (cited by Labcorp Genetics (formerly Invitae), Labcorp); PubMed 23810313 (cited by Athena Diagnostics).